The following is an entry in ClinVar:

NM_001321120.2(TBX4):c.367G>A (p.Asp123Asn)

Gene: TBX4 (T-box transcription factor 4; plus strand). Cytogenetic location: 17q23.2.
Variant type: single nucleotide variant.
Coding change: c.367G>A on transcript NM_001321120.2 (MANE Select); coding-DNA position 367, G replaced by A.
Protein change: p.Asp123Asn; replaces aspartic acid 123 with asparagine.
Molecular consequence: missense variant.
Genome position (GRCh38, 1-based): chr17:61,465,904, G>A. VCF-style: chr17-61465904-G-A. GRCh37 (hg19) VCF-style: chr17-59543265-G-A.
Other names: c.367G>A, p.Asp123Asn (NM_018488.3); short protein forms D123N.
Identifiers: ClinVar variation 2514722 (VCV002514722.4), dbSNP rs769475203, ClinGen allele CA8689801.

ClinVar aggregate classification (germline): Uncertain significance. Review status: criteria provided, multiple submitters, no conflicts (2 of 4 stars). 2 submissions from 2 submitters: Uncertain significance (2). Last evaluated 2025-11-24.

Conditions:
TBX4-related disorder. Also called: TBX4-related condition; TBX4-related disorders.
Inborn genetic diseases. Identifiers: MedGen C0950123, MeSH D030342.

Allele frequency attached by ClinVar (database versions not stated): gnomAD exomes 0.00001; ExAC 0.00002; TOPMed 0.00002.

Submissions (2):

Ambry Genetics
Classification: Uncertain significance for Inborn genetic diseases. Last evaluated: 2025-11-24. Review status: criteria provided, single submitter. Criteria: Ambry Variant Classification Scheme 2023. Collection method: clinical testing. Allele origin: germline.

PreventionGenetics, part of Exact Sciences
Classification: Uncertain significance for TBX4-related condition. Last evaluated: 2025-09-04. Review status: criteria provided, single submitter. Criteria: ACMG Guidelines, 2015. Collection method: clinical testing. Allele origin: germline.
Comment: The TBX4 c.367G>A variant is predicted to result in the amino acid substitution p.Asp123Asn. To our knowledge, this variant has not been reported in the literature. This variant is reported in 0.0033% of alleles in individuals of South Asian descent in gnomAD. At this time, the clinical significance of this variant is uncertain due to the absence of conclusive functional and genetic evidence.